The following is an entry in ClinVar:

NM_207122.2(EXT2):c.896G>A (p.Arg299His)

Gene: EXT2 (exostosin glycosyltransferase 2; plus strand). Cytogenetic location: 11p11.2.
Variant type: single nucleotide variant.
Coding change: c.896G>A on transcript NM_207122.2 (MANE Select); coding-DNA position 896, G replaced by A.
Protein change: p.Arg299His; replaces arginine 299 with histidine.
Molecular consequence: missense variant.
Genome position (GRCh38, 1-based): chr11:44,124,941, G>A. VCF-style: chr11-44124941-G-A. GRCh37 (hg19) VCF-style: chr11-44146491-G-A.
Other names: c.995G>A, p.Arg332His (NM_000401.3); c.896G>A, p.Arg299His (NM_001178083.3, NM_001389628.1, NM_001389630.1); short protein forms R299H, R332H.
Identifiers: ClinVar variation 134214 (VCV000134214.16), dbSNP rs76901081, ClinGen allele CA159156.
Genomic context (GRCh38, chr11:44,124,941, plus strand): 5'-CAGTGTTAGTACTCGATAAATGCACCAACCTCTCAGAGGGTGTCCTTTCTGTCCGTAAGC[G>A]CTGCCACAAGCACCAGGTCTTCGATTACCCACAGGTGCTACAGGTGAGTGTCATTCATTA-3'
Protein context (NP_997005.1, residues 289-309): LSEGVLSVRK[Arg299His]CHKHQVFDYP

ClinVar aggregate classification (germline): Benign/Likely benign. Review status: criteria provided, multiple submitters, no conflicts (2 of 4 stars). 4 submissions from 4 submitters: Benign (2); Likely benign (1). 1 of the submissions does not count toward it. Last evaluated 2026-01-18.

Conditions:
Exostoses, multiple, type 2 (EXT2). Also called: EXOSTOSES, MULTIPLE, TYPE II; Hereditary Multiple Osteochondromatosis, Type II. Identifiers: Orphanet 321, MedGen C1851413, MONDO:0007586, OMIM 133701.

Allele frequency attached by ClinVar (database versions not stated): gnomAD 0.00020 and 0.00023; gnomAD exomes 0.00025 and 0.00057; TOPMed 0.00028; ExAC 0.00049; 1000 Genomes Project 30x 0.00078; 1000 Genomes Project 0.00080.

Submissions (4):

Labcorp Genetics (formerly Invitae), Labcorp
Classification: Benign for Exostoses, multiple, type 2. Last evaluated: 2026-01-18. Review status: criteria provided, single submitter. Criteria: Invitae Variant Classification Sherloc (09022015). Collection method: clinical testing. Allele origin: germline.

KCCC/NGS Laboratory, Kuwait Cancer Control Center
Classification: Benign for Exostoses, multiple, type 2. Last evaluated: 2025-02-01. Review status: criteria provided, single submitter. Criteria: ACMG Guidelines, 2015. Collection method: clinical testing. Allele origin: germline. Affected: no.

Illumina Laboratory Services, Illumina
Classification: Likely benign for Exostoses, multiple, type 2. Last evaluated: 2017-04-27. Review status: criteria provided, single submitter. Criteria: ICSL Variant Classification Criteria 13 December 2019. Collection method: clinical testing. Allele origin: germline.
Comment: This variant was observed as part of a predisposition screen in an ostensibly healthy population. A literature search was performed for the gene, cDNA change, and amino acid change (where applicable). Publications were found based on this search. The evidence from the literature, in combination with allele frequency data from public databases where available, was sufficient to determine this variant is unlikely to cause disease. Therefore, this variant is classified as likely benign.

ITMI
No classification provided. Condition: AllHighlyPenetrant. Last evaluated: 2013-09-19. Review status: no classification provided. Collection method: reference population. Allele origin: germline. Not counted in ClinVar's aggregate classification.
Comment: Please see associated publication for description of ethnicities

Literature cited by the submitters: PubMed 15796962 (cited by Illumina Laboratory Services, Illumina); PubMed 24728327 (cited by ITMI).